The following is an entry in ClinVar:

ClinVar aggregate classification (germline): Benign/Likely benign. Review status: criteria provided, multiple submitters, no conflicts (2 of 4 stars). 4 submissions from 4 submitters: Benign (3); Likely benign (1). Last evaluated 2026-01-19.

Conditions:
Diabetes insipidus, nephrogenic, X-linked. Also called: Nephrogenic Diabetes Insipidus, Type I. Identifiers: Orphanet 223, MedGen C1563705, MONDO:0010581, OMIM 304800.

Allele frequency attached by ClinVar (database versions not stated): gnomAD exomes 0.00035 and 0.00069; ExAC 0.00084; 1000 Genomes Project 0.00185; gnomAD 0.00201 and 0.00215; TOPMed 0.00231; ESP Exome Variant Server 0.00303.
gnomAD v4.1: 611 of 1,206,443 alleles (0.051%); highest among the groups gnomAD compares: African/African-American, 0.76%; 2 homozygotes.

Submissions (4):

Labcorp Genetics (formerly Invitae), Labcorp
Classification: Benign. Last evaluated: 2026-01-19. Review status: criteria provided, single submitter. Criteria: Invitae Variant Classification Sherloc (09022015). Collection method: clinical testing. Allele origin: germline.

Illumina Laboratory Services, Illumina
Classification: Benign for Diabetes insipidus, nephrogenic, X-linked. Last evaluated: 2018-01-13. Review status: criteria provided, single submitter. Criteria: ICSL Variant Classification Criteria 13 December 2019. Collection method: clinical testing. Allele origin: germline.
Comment: This variant was observed in the ICSL laboratory as part of a predisposition screen in an ostensibly healthy population. It had not been previously curated by ICSL or reported in the Human Gene Mutation Database (HGMD: prior to June 1st, 2018), and was therefore a candidate for classification through an automated scoring system. Utilizing variant allele frequency, disease prevalence and penetrance estimates, and inheritance mode, an automated score was calculated to assess if this variant is too frequent to cause the disease. Based on the score and internal cut-off values, a variant classified as benign is not then subjected to further curation. The score for this variant resulted in a classification of benign for this disease.

Athena Diagnostics
Classification: Benign. Last evaluated: 2017-04-26. Review status: criteria provided, single submitter. Criteria: Athena Diagnostics Criteria. Collection method: clinical testing. Allele origin: germline.

Center for Pediatric Genomic Medicine, Children's Mercy Hospital and Clinics
Classification: Likely benign. Last evaluated: 2017-04-19. Review status: criteria provided, single submitter. Criteria: ACMG Guidelines, 2015. Collection method: clinical testing. Allele origin: germline.

NM_000054.7(AVPR2):c.740G>A (p.Arg247His)

Gene: AVPR2 (arginine vasopressin receptor 2; plus strand). Cytogenetic location: Xq28.
Variant type: single nucleotide variant.
Coding change: c.740G>A on transcript NM_000054.7 (MANE Select); coding-DNA position 740, G replaced by A.
Protein change: p.Arg247His; replaces arginine 247 with histidine.
Molecular consequence: missense variant. On other transcripts: non-coding transcript variant (1).
Genome position (GRCh38, 1-based): chrX:153,906,246, G>A. VCF-style: chrX-153906246-G-A. GRCh37 (hg19) VCF-style: chrX-153171700-G-A.
Other names: c.740G>A, p.Arg247His (NM_001146151.3); short protein forms R247H.
Identifiers: ClinVar variation 445707 (VCV000445707.14), dbSNP rs149668713, ClinGen allele CA10555057.